The following is an entry in ClinVar:

NM_006445.4(PRPF8):c.2440G>A (p.Val814Met)

Gene: PRPF8 (pre-mRNA processing factor 8; minus strand). Cytogenetic location: 17p13.3.
Variant type: single nucleotide variant.
Coding change: c.2440G>A on transcript NM_006445.4 (MANE Select); coding-DNA position 2440, G replaced by A.
Protein change: p.Val814Met; replaces valine 814 with methionine.
Molecular consequence: missense variant.
Genome position (GRCh38, 1-based): chr17:1,676,319, C>T on the plus strand (G>A on the coding strand, the complement: PRPF8 is on the minus strand). VCF-style: chr17-1676319-C-T. GRCh37 (hg19) VCF-style: chr17-1579613-C-T.
Other names: short protein forms V814M.
Identifiers: ClinVar variation 2663108 (VCV002663108.1), dbSNP rs2543768248, ClinGen allele CA397551394.

ClinVar aggregate classification (germline): Uncertain significance (1 of 4 stars; one submission).

Submission:

GeneDx
Classification: Uncertain significance. Last evaluated: 2023-05-03. Review status: criteria provided, single submitter. Criteria: GeneDx Variant Classification Process June 2021. Collection method: clinical testing. Allele origin: germline. Affected: yes.
Comment: Not observed at significant frequency in large population cohorts (gnomAD); In silico analysis supports that this missense variant has a deleterious effect on protein structure/function; Has not been previously published as pathogenic or benign to our knowledge